The following is an entry in ClinVar:

ClinVar aggregate classification (germline): Likely benign. Review status: criteria provided, multiple submitters, no conflicts (2 of 4 stars). 2 submissions from 2 submitters: Likely benign (2). Last evaluated 2025-04-16.

Allele frequency attached by ClinVar (database versions not stated): gnomAD exomes 0.00003.
gnomAD v4.1: 46 of 1,612,370 alleles (0.0029%); highest among the groups gnomAD compares: Non-Finnish European, 0.0038%; no homozygotes.

Submissions (2):

Labcorp Genetics (formerly Invitae), Labcorp
Classification: Likely benign. Last evaluated: 2025-04-16. Review status: criteria provided, single submitter. Criteria: Invitae Variant Classification Sherloc (09022015). Collection method: clinical testing. Allele origin: germline.

CeGaT Center for Human Genetics Tuebingen
Classification: Likely benign. Last evaluated: 2023-01-01. Review status: criteria provided, single submitter. Criteria: CeGaT Center For Human Genetics Tuebingen Variant Classification Criteria Version 2. Collection method: clinical testing. Allele origin: germline. Affected: yes. Observed: 1 variant allele.
Comment: EXOSC2: BP4, BP7

NM_014285.7(EXOSC2):c.60C>A (p.Arg20=)

Genes: EXOSC2 (exosome component 2; plus strand), LOC130002815 (ATAC-STARR-seq lymphoblastoid active region 29156; plus strand). Cytogenetic location: 9q34.12.
Variant type: single nucleotide variant.
Coding change: c.60C>A on transcript NM_014285.7 (MANE Select); coding-DNA position 60, C replaced by A.
Protein change: p.Arg20=; no amino-acid change (arginine 20 retained).
Molecular consequence: synonymous variant. On other transcripts: non-coding transcript variant (1).
Genome position (GRCh38, 1-based): chr9:130,693,851, C>A. VCF-style: chr9-130693851-C-A. GRCh37 (hg19) VCF-style: chr9-133569238-C-A.
Other names: c.60C>A, p.Arg20= (NM_001282708.1, NM_001282709.1).
Identifiers: ClinVar variation 1903868 (VCV001903868.29), dbSNP rs963425075, ClinGen allele CA200630460.
Genomic context (GRCh38, chr9:130,693,851, plus strand): 5'-GATGGCGATGGAGATGAGGCTTCCAGTGGCTCGCAAGCCTCTTAGCGAGAGACTGGGCCG[C>A]GACACTAAGAAACATCTAGTGGTGCCGGGGGATACAATCACTACGGACACAGGATTCATG-3'
Protein context (NP_055100.2, residues 10-30): ARKPLSERLG[Arg20=]DTKKHLVVPG